The following is an entry in ClinVar:

ClinVar aggregate classification (germline): Likely benign (1 of 4 stars; one submission).

gnomAD v4.1: 42 of 1,568,774 alleles (0.0027%); highest among the groups gnomAD compares: Admixed American, 0.027%; no homozygotes.

Submission:

Mayo Clinic Laboratories, Mayo Clinic
Classification: Likely benign. Last evaluated: 2025-03-04. Review status: criteria provided, single submitter. Criteria: ACMG Guidelines, 2015. Collection method: clinical testing. Allele origin: germline. Observed: 1 variant allele.
Comment: BP4, BP7

NM_001367805.3(KIF23):c.714G>A (p.Pro238=)

Gene: KIF23 (kinesin family member 23; plus strand). Cytogenetic location: 15q23.
Variant type: single nucleotide variant.
Coding change: c.714G>A on transcript NM_001367805.3 (MANE Select); coding-DNA position 714, G replaced by A.
Protein change: p.Pro238=; no amino-acid change (proline 238 retained).
Molecular consequence: synonymous variant. On other transcripts: non-coding transcript variant (2).
Genome position (GRCh38, 1-based): chr15:69,423,309, G>A. VCF-style: chr15-69423309-G-A. GRCh37 (hg19) VCF-style: chr15-69715648-G-A.
Other names: p.Pro238=; c.384G>A, p.Pro128= (NM_001281301.2); c.714G>A, p.Pro238= (NM_001367804.2, NM_004856.7, NM_138555.4).
Identifiers: ClinVar variation 4684010 (VCV004684010.1).
Genomic context (GRCh38, chr15:69,423,309, plus strand): 5'-ATTTGTCTCTTATATTGAAATATATAATAATTACATATATGATCTATTGGAAGAGGTGCC[G>A]TTTGATCCCATAAAACCCAAGTAAGTAATAAAGAGAGCCCCTTCTTAGCTGTTAATGTTG-3'
Protein context (NP_001354734.1, residues 228-248): NYIYDLLEEV[Pro238=]FDPIKPKWNS